The following is an entry in ClinVar:

NM_001165963.4(SCN1A):c.323T>C (p.Leu108Pro)

Gene: SCN1A (sodium voltage-gated channel alpha subunit 1; minus strand). Cytogenetic location: 2q24.3.
Variant type: single nucleotide variant.
Coding change: c.323T>C on transcript NM_001165963.4 (MANE Select); coding-DNA position 323, T replaced by C.
Protein change: p.Leu108Pro; replaces leucine 108 with proline.
Molecular consequence: missense variant. On other transcripts: 5 prime UTR variant (1), non-coding transcript variant (1).
Genome position (GRCh38, 1-based): chr2:166,058,630, A>G on the plus strand (T>C on the coding strand, the complement: SCN1A is on the minus strand). VCF-style: chr2-166058630-A-G. GRCh37 (hg19) VCF-style: chr2-166915140-A-G.
Other names: c.323T>C, p.Leu108Pro (NM_001165964.3, NM_001202435.3, NM_001353948.2 and 10 more transcripts); c.-2103T>C (NM_001353961.2); short protein forms L108P.
Identifiers: ClinVar variation 189956 (VCV000189956.1), dbSNP rs794726793, ClinGen allele CA303399.

ClinVar aggregate classification (germline): Pathogenic (1 of 4 stars; one submission).

Conditions:
Severe myoclonic epilepsy in infancy (DRVT). Also called: Epileptic encephalopathy, early infantile, 6 (Dravet syndrome); SEVERE MYOCLONIC EPILEPSY OF INFANCY; DEVELOPMENTAL AND EPILEPTIC ENCEPHALOPATHY 6A; Severe Myoclonic Epilepsy in Infancy (SMEI); Dravet syndrome. Identifiers: Orphanet 33069, MedGen C0751122, MONDO:0100135, OMIM 607208.

Submission:

Center for Bioinformatics, Peking University
Classification: Pathogenic for Dravet syndrome. Last evaluated: 2014-12-20. Review status: criteria provided, single submitter. Criteria: Xu et al. (Hum Mutat. 2015). Collection method: research. Allele origin: de novo. Affected: yes. Observed: 1 variant allele. Study: University Clinical Cooperation “985 Project” PKU-2014-1-1.
Comment: Dravet syndrome (DS) probands were recruited from the outpatient and inpatient child neurology units of Peking University First Hospital from 2005 till present. The study was approved by the Ethics Committee of Peking University First Hospital and the Institutional Review Board at Peking University. Participants or their parents provided written informed consent before enrollment. We collected a total of 267 mutations from 255 families with probands diagnosed with DS in China. All probands fulfilled the clinical diagnostic criteria.